The following is an entry in ClinVar:

NM_031935.3(HMCN1):c.16531C>A (p.Pro5511Thr)

Genes: HMCN1 (hemicentin 1; plus strand), LOC126805953 (P300/CBP strongly-dependent group 1 enhancer GRCh37_chr1:186156636-186157835; plus strand). Cytogenetic location: 1q31.1.
Variant type: single nucleotide variant.
Coding change: c.16531C>A on transcript NM_031935.3 (MANE Select); coding-DNA position 16531, C replaced by A.
Protein change: p.Pro5511Thr; replaces proline 5511 with threonine.
Molecular consequence: missense variant.
Genome position (GRCh38, 1-based): chr1:186,187,999, C>A. VCF-style: chr1-186187999-C-A. GRCh37 (hg19) VCF-style: chr1-186157131-C-A.
Other names: short protein forms P5511T.
Identifiers: ClinVar variation 2850835 (VCV002850835.3), dbSNP rs2528299347, ClinGen allele CA343904458.

ClinVar aggregate classification (germline): Uncertain significance (1 of 4 stars; one submission).

Submission:

Labcorp Genetics (formerly Invitae), Labcorp
Classification: Uncertain significance. Last evaluated: 2025-04-16. Review status: criteria provided, single submitter. Criteria: Invitae Variant Classification Sherloc (09022015). Collection method: clinical testing. Allele origin: germline.
Comment: This sequence change replaces proline, which is neutral and non-polar, with threonine, which is neutral and polar, at codon 5511 of the HMCN1 protein (p.Pro5511Thr). This variant is not present in population databases (gnomAD no frequency). This variant has not been reported in the literature in individuals affected with HMCN1-related conditions. ClinVar contains an entry for this variant (Variation ID: 2850835). An algorithm developed to predict the effect of missense changes on protein structure and function (PolyPhen-2) suggests that this variant is likely to be tolerated. In summary, the available evidence is currently insufficient to determine the role of this variant in disease. Therefore, it has been classified as a Variant of Uncertain Significance.